The following is an entry in ClinVar:

ClinVar aggregate classification (germline): Benign (1 of 4 stars; one submission).

Allele frequency attached by ClinVar (database versions not stated): gnomAD 0.13773 and 0.13868; TOPMed 0.13786; 1000 Genomes Project 0.13878; 1000 Genomes Project 30x 0.13976.
gnomAD v4.1: 21,001 of 152,238 alleles (14%); highest among the groups gnomAD compares: Non-Finnish European, 15%; 1,509 homozygotes.

Submission:

GeneDx
Classification: Benign. Last evaluated: 2018-06-19. Review status: criteria provided, single submitter. Criteria: GeneDx Variant Classification (06012015). Collection method: clinical testing. Allele origin: germline. Affected: yes.
Comment: This variant is considered likely benign or benign based on one or more of the following criteria: it is a conservative change, it occurs at a poorly conserved position in the protein, it is predicted to be benign by multiple in silico algorithms, and/or has population frequency not consistent with disease.

NM_001040142.2(SCN2A):c.3675+224A>C

Gene: SCN2A (sodium voltage-gated channel alpha subunit 2; plus strand). Cytogenetic location: 2q24.3.
Variant type: single nucleotide variant.
Coding change: c.3675+224A>C on transcript NM_001040142.2 (MANE Select); 224 bases into the intron after coding-DNA position 3675, A replaced by C.
Molecular consequence: intron variant.
Genome position (GRCh38, 1-based): chr2:165,367,595, A>C. VCF-style: chr2-165367595-A-C. GRCh37 (hg19) VCF-style: chr2-166224105-A-C.
Other names: c.3675+224A>C (NM_001040143.2, NM_001371246.1, NM_001371247.1 and 1 more transcripts).
Identifiers: ClinVar variation 669329 (VCV000669329.1), dbSNP rs3816000, ClinGen allele CA11279491.
Genomic context (GRCh38, chr2:165,367,595, plus strand): 5'-TTGTCACTCTGTCTGGAGTAGCCCTCGGGTGGAACCAAACTCAGATCATTATGGTTTCTT[A>C]TAATGTTTAAAGAAGGATCTTTCTGACTTTCAGTCATCAGAGGCAGTTCTTATTAAGACT-3'